The following is an entry in ClinVar:

NM_000081.4(LYST):c.2816A>G (p.His939Arg)

Gene: LYST (lysosomal trafficking regulator; minus strand). Cytogenetic location: 1q42.3.
Variant type: single nucleotide variant.
Coding change: c.2816A>G on transcript NM_000081.4 (MANE Select); coding-DNA position 2816, A replaced by G.
Protein change: p.His939Arg; replaces histidine 939 with arginine.
Molecular consequence: missense variant.
Genome position (GRCh38, 1-based): chr1:235,806,320, T>C on the plus strand (A>G on the coding strand, the complement: LYST is on the minus strand). VCF-style: chr1-235806320-T-C. GRCh37 (hg19) VCF-style: chr1-235969620-T-C.
Other names: c.2816A>G, p.His939Arg (NM_001301365.1); short protein forms H939R.
Identifiers: ClinVar variation 1041125 (VCV001041125.8), dbSNP rs1672827994, ClinGen allele CA344955113.
Genomic context (GRCh38, chr1:235,806,320, plus strand): 5'-TGGTGCATATGTTCAGGAGAAGGCAAGACAAGGCTCTCGAGAGATATACATGGCAGCATA[T>C]GACTTAAAGGCTCGCTGGCTGTGCTGTCATAGCCAGAAGTATCTTCTGAGTCATTGGCCG-3'
Protein context (NP_000072.2, residues 929-949): YDSTASEPLS[His939Arg]MLPCISLESL

ClinVar aggregate classification (germline): Uncertain significance (1 of 4 stars; one submission).

Conditions:
Chédiak-Higashi syndrome (CHS). Also called: Chediak-Higashi Syndrome. Identifiers: Orphanet 167, MedGen C0007965, MONDO:0008963, OMIM 214500.

Allele frequency attached by ClinVar (database versions not stated): gnomAD exomes below 0.00001; TOPMed below 0.00001; gnomAD 0.00001.
gnomAD v4.1: 3 of 1,613,896 alleles (0.00019%); highest among the groups gnomAD compares: Non-Finnish European, 0.00017%; no homozygotes.

Submission:

Labcorp Genetics (formerly Invitae), Labcorp
Classification: Uncertain significance for Chédiak-Higashi syndrome. Last evaluated: 2024-10-16. Review status: criteria provided, single submitter. Criteria: Invitae Variant Classification Sherloc (09022015). Collection method: clinical testing. Allele origin: germline.
Comment: This sequence change replaces histidine, which is basic and polar, with arginine, which is basic and polar, at codon 939 of the LYST protein (p.His939Arg). This variant is not present in population databases (gnomAD no frequency). This variant has not been reported in the literature in individuals affected with LYST-related conditions. ClinVar contains an entry for this variant (Variation ID: 1041125). Invitae Evidence Modeling of protein sequence and biophysical properties (such as structural, functional, and spatial information, amino acid conservation, physicochemical variation, residue mobility, and thermodynamic stability) indicates that this missense variant is not expected to disrupt LYST protein function with a negative predictive value of 80%. In summary, the available evidence is currently insufficient to determine the role of this variant in disease. Therefore, it has been classified as a Variant of Uncertain Significance.